The following is an entry in ClinVar:

NM_000170.3(GLDC):c.2137G>A (p.Val713Met)

Gene: GLDC (glycine decarboxylase; minus strand). Cytogenetic location: 9p24.1.
Variant type: single nucleotide variant.
Coding change: c.2137G>A on transcript NM_000170.3 (MANE Select); coding-DNA position 2137, G replaced by A.
Protein change: p.Val713Met; replaces valine 713 with methionine.
Molecular consequence: missense variant.
Genome position (GRCh38, 1-based): chr9:6,556,218, C>T on the plus strand (G>A on the coding strand, the complement: GLDC is on the minus strand). VCF-style: chr9-6556218-C-T. GRCh37 (hg19) VCF-style: chr9-6556218-C-T.
Other names: short protein forms V713M.
Identifiers: ClinVar variation 570824 (VCV000570824.8), dbSNP rs912659426, ClinGen allele CA188650954.

ClinVar aggregate classification (germline): Uncertain significance. Review status: criteria provided, multiple submitters, no conflicts (2 of 4 stars). 3 submissions from 3 submitters: Uncertain significance (2). 1 of the submissions does not count toward it. Last evaluated 2022-07-15.

Conditions:
Glycine encephalopathy. Also called: Non-ketotic hyperglycinemia; Nonketotic hyperglycinemia. Identifiers: Orphanet 407, MedGen C0751748, MONDO:0011612, HP:0008288.

Allele frequency attached by ClinVar (database versions not stated): gnomAD exomes below 0.00001; gnomAD 0.00003; TOPMed 0.00006.
gnomAD v4.1: 24 of 1,612,244 alleles (0.0015%); highest among the groups gnomAD compares: African/African-American, 0.0093%; no homozygotes.

Submissions (3):

Labcorp Genetics (formerly Invitae), Labcorp
Classification: Uncertain significance for Glycine encephalopathy. Last evaluated: 2022-07-15. Review status: criteria provided, single submitter. Criteria: Invitae Variant Classification Sherloc (09022015). Collection method: clinical testing. Allele origin: germline.
Comment: This sequence change replaces valine, which is neutral and non-polar, with methionine, which is neutral and non-polar, at codon 713 of the GLDC protein (p.Val713Met). This variant is present in population databases (no rsID available, gnomAD 0.004%). This variant has not been reported in the literature in individuals affected with GLDC-related conditions. ClinVar contains an entry for this variant (Variation ID: 570824). Advanced modeling of protein sequence and biophysical properties (such as structural, functional, and spatial information, amino acid conservation, physicochemical variation, residue mobility, and thermodynamic stability) performed at Invitae indicates that this missense variant is not expected to disrupt GLDC protein function. In summary, the available evidence is currently insufficient to determine the role of this variant in disease. Therefore, it has been classified as a Variant of Uncertain Significance.

Illumina Laboratory Services, Illumina
Classification: Uncertain significance for Glycine encephalopathy 1. Last evaluated: 2018-01-13. Review status: criteria provided, single submitter. Criteria: ICSL Variant Classification Criteria 13 December 2019. Collection method: clinical testing. Allele origin: germline.

Natera, Inc.
Classification: Uncertain significance for Non-ketotic hyperglycinemia. Last evaluated: 2020-09-16. Review status: no assertion criteria provided. Collection method: clinical testing. Allele origin: germline. Not counted in ClinVar's aggregate classification.